The following is an entry in ClinVar:

NM_198834.3(ACACA):c.5974T>C (p.Phe1992Leu)

Gene: ACACA (acetyl-CoA carboxylase alpha; minus strand). Cytogenetic location: 17q12.
Variant type: single nucleotide variant.
Coding change: c.5974T>C on transcript NM_198834.3 (MANE Select); coding-DNA position 5974, T replaced by C.
Protein change: p.Phe1992Leu; replaces phenylalanine 1992 with leucine.
Molecular consequence: missense variant.
Genome position (GRCh38, 1-based): chr17:37,125,765, A>G on the plus strand (T>C on the coding strand, the complement: ACACA is on the minus strand). VCF-style: chr17-37125765-A-G. GRCh37 (hg19) VCF-style: chr17-35482686-A-G.
Other names: c.5863T>C (NM_198839.1); c.5863T>C, p.Phe1955Leu (NM_198839.3, NM_198836.3); c.5689T>C, p.Phe1897Leu (NM_198837.2); c.5629T>C, p.Phe1877Leu (NM_198838.2); short protein forms F1877L, F1897L, F1955L, F1992L.
Identifiers: ClinVar variation 3622885 (VCV003622885.3).

ClinVar aggregate classification (germline): Uncertain significance. Review status: criteria provided, multiple submitters, no conflicts (2 of 4 stars). 2 submissions from 2 submitters: Uncertain significance (2). Last evaluated 2025-09-26.

gnomAD v4.1: 13 of 1,613,972 alleles (0.00081%); highest among the groups gnomAD compares: Admixed American, 0.0017%; no homozygotes.

Submissions (2):

Ambry Genetics
Classification: Uncertain significance. Last evaluated: 2025-09-26. Review status: criteria provided, single submitter. Criteria: Ambry Variant Classification Scheme 2023. Collection method: clinical testing. Allele origin: germline.

Labcorp Genetics (formerly Invitae), Labcorp
Classification: Uncertain significance. Last evaluated: 2025-04-13. Review status: criteria provided, single submitter. Criteria: Invitae Variant Classification Sherloc (09022015). Collection method: clinical testing. Allele origin: germline.
Comment: This sequence change replaces phenylalanine, which is neutral and non-polar, with leucine, which is neutral and non-polar, at codon 1955 of the ACACA protein (p.Phe1955Leu). This variant is present in population databases (no rsID available, gnomAD 0.003%). This variant has not been reported in the literature in individuals affected with ACACA-related conditions. ClinVar contains an entry for this variant (Variation ID: 3622885). An algorithm developed to predict the effect of missense changes on protein structure and function (PolyPhen-2) suggests that this variant is likely to be disruptive. In summary, the available evidence is currently insufficient to determine the role of this variant in disease. Therefore, it has been classified as a Variant of Uncertain Significance.